The following is an entry in ClinVar:

NM_032447.5(FBN3):c.541+4C>T

Gene: FBN3 (fibrillin 3; minus strand). Cytogenetic location: 19p13.2.
Variant type: single nucleotide variant.
Coding change: c.541+4C>T on transcript NM_032447.5 (MANE Select); 4 bases into the intron after coding-DNA position 541, C replaced by T.
Molecular consequence: intron variant.
Genome position (GRCh38, 1-based): chr19:8,144,873, G>A on the plus strand (C>T on the coding strand, the complement: FBN3 is on the minus strand). VCF-style: chr19-8144873-G-A. GRCh37 (hg19) VCF-style: chr19-8209757-G-A.
Other names: c.541+4C>T (NM_001321431.2).
Identifiers: ClinVar variation 2987667 (VCV002987667.3), dbSNP rs1425474179, ClinGen allele CA631345555.

ClinVar aggregate classification (germline): Uncertain significance (1 of 4 stars; one submission).

Allele frequency attached by ClinVar (database versions not stated): gnomAD exomes 0.00001; TOPMed 0.00001.
gnomAD v4.1: 8 of 1,601,546 alleles (0.0005%); highest among the groups gnomAD compares: Admixed American, 0.0035%; no homozygotes.

Submission:

Labcorp Genetics (formerly Invitae), Labcorp
Classification: Uncertain significance. Last evaluated: 2023-07-03. Review status: criteria provided, single submitter. Criteria: Invitae Variant Classification Sherloc (09022015). Collection method: clinical testing. Allele origin: germline.
Comment: This sequence change falls in intron 6 of the FBN3 gene. It does not directly change the encoded amino acid sequence of the FBN3 protein. It affects a nucleotide within the consensus splice site. The frequency data for this variant in the population databases is considered unreliable, as metrics indicate poor data quality at this position in the gnomAD database. This variant has not been reported in the literature in individuals affected with FBN3-related conditions. Variants that disrupt the consensus splice site are a relatively common cause of aberrant splicing (PMID: 17576681, 9536098). Algorithms developed to predict the effect of sequence changes on RNA splicing suggest that this variant is not likely to affect RNA splicing. In summary, the available evidence is currently insufficient to determine the role of this variant in disease. Therefore, it has been classified as a Variant of Uncertain Significance.

Literature cited by the submitters: PubMed 17576681; PubMed 9536098.